The following is an entry in ClinVar:

NM_007294.4(BRCA1):c.5235C>A (p.Asn1745Lys)

Gene: BRCA1 (BRCA1 DNA repair associated; minus strand). Cytogenetic location: 17q21.31.
Variant type: single nucleotide variant.
Coding change: c.5235C>A on transcript NM_007294.4 (MANE Select); coding-DNA position 5235, C replaced by A.
Protein change: p.Asn1745Lys; replaces asparagine 1745 with lysine.
Molecular consequence: missense variant. On other transcripts: non-coding transcript variant (1).
Genome position (GRCh38, 1-based): chr17:43,057,094, G>T on the plus strand (C>A on the coding strand, the complement: BRCA1 is on the minus strand). VCF-style: chr17-43057094-G-T. GRCh37 (hg19) VCF-style: chr17-41209111-G-T.
Other names: c.5154C>A, p.Asn1718Lys (NM_001407657.1, NM_001407658.1, NM_001407656.1); c.5151C>A, p.Asn1717Lys (NM_001407659.1, NM_001407660.1, NM_001407661.1 and 2 more transcripts); c.5109C>A, p.Asn1703Lys (NM_001407670.1, NM_001407671.1, NM_001407672.1 and 10 more transcripts); c.5106C>A, p.Asn1702Lys (NM_001407689.1, NM_001407681.1, NM_001407682.1 and 6 more transcripts); c.5103C>A, p.Asn1701Lys (NM_001407690.1, NM_001407691.1); c.5094C>A, p.Asn1698Lys (NM_001407692.1, NM_001407694.1, NM_001407695.1 and 13 more transcripts); c.5091C>A, p.Asn1697Lys (NM_001407734.1, NM_001407735.1, NM_001407736.1 and 21 more transcripts); c.5088C>A, p.Asn1696Lys (NM_001407838.1, NM_001407839.1, NM_001407841.1 and 12 more transcripts); and 72 more; short protein forms N1698K, N1745K, N1766K, N641K, N1616K, N1655K, N1657K, N1704K.
Identifiers: ClinVar variation 868212 (VCV000868212.3), dbSNP rs2051513534, ClinGen allele CA10591071.

Conditions:
Breast-ovarian cancer, familial, susceptibility to, 1 (BROVCA1). Also called: BRCA1 Hereditary Breast and Ovarian Cancer; OVARIAN CANCER, SUSCEPTIBILITY TO. Identifiers: Orphanet 145, MedGen C2676676, MONDO:0011450, OMIM 604370. Disease mechanism: loss of function.

Submission:

Brotman Baty Institute, University of Washington
No classification provided (evidence only). Condition: Breast-ovarian cancer, familial 1. Review status: no classification provided. Collection method: in vitro. Allele origin: not applicable. Functional consequence: functionally_normal.
ClinVar note: "not provided" was previously submitted as the classification for the variant. However, the classification appeared to be based only on an observation of functional data so it was converted to no classification on 2025-07-30.